The following is an entry in ClinVar:

ClinVar aggregate classification (germline): Uncertain significance (1 of 4 stars; one submission).

Conditions:
Developmental delay, behavioral abnormalities, and neuropsychiatric disorders (DEDBANP). Identifiers: MedGen C5774224, MONDO:0859292, OMIM 620065.

gnomAD v4.1: 2 of 1,614,038 alleles (0.00012%); highest among the groups gnomAD compares: South Asian, 0.0011%; no homozygotes.

Submission:

Dasa
Classification: Uncertain significance for Developmental delay, behavioral abnormalities, and neuropsychiatric disorders. Last evaluated: 2025-02-27. Review status: criteria provided, single submitter. Criteria: DASA Assertion Criteria. Collection method: clinical testing. Allele origin: germline.
Comment: NM_014921.5(ADGRL1):c.3658C>G (p.Arg1220Gly) is a missense variant that results in the substitution of arginine with glycine. This variant is rare in population databases. Computational prediction algorithms are consistent with a benign effect. The currently available literature and clinical evidence are not sufficient to establish a definitive association between this variant and the reported condition. Therefore, this variant is classified as a variant of uncertain significance.

NM_014921.5(ADGRL1):c.3658C>G (p.Arg1220Gly)

Genes: ADGRL1 (adhesion G protein-coupled receptor L1; minus strand), ADGRL1-AS1 (ADGRL1 antisense RNA 1; plus strand). Cytogenetic location: 19p13.12.
Variant type: single nucleotide variant.
Coding change: c.3658C>G on transcript NM_014921.5 (MANE Select); coding-DNA position 3658, C replaced by G.
Protein change: p.Arg1220Gly; replaces arginine 1220 with glycine.
Molecular consequence: missense variant.
Genome position (GRCh38, 1-based): chr19:14,152,142, G>C on the plus strand (C>G on the coding strand, the complement: ADGRL1 is on the minus strand). VCF-style: chr19-14152142-G-C. GRCh37 (hg19) VCF-style: chr19-14262954-G-C.
Other names: c.3673C>G, p.Arg1225Gly (NM_001008701.3); short protein forms R1220G, R1225G.
Identifiers: ClinVar variation 4883641 (VCV004883641.2).